The following is an entry in ClinVar:

ClinVar aggregate classification (germline): Likely benign. Review status: criteria provided, multiple submitters, no conflicts (2 of 4 stars). 2 submissions from 2 submitters: Likely benign (2). Last evaluated 2018-06-14.

Allele frequency attached by ClinVar (database versions not stated): gnomAD 0.00734 and 0.00787; TOPMed 0.00751; 1000 Genomes Project 0.00779; 1000 Genomes Project 30x 0.00812.
gnomAD v4.1: 2,050 of 1,394,254 alleles (0.15%); highest among the groups gnomAD compares: African/African-American, 2.6%; 23 homozygotes.

Submissions (2):

GeneDx
Classification: Likely benign. Last evaluated: 2018-06-14. Review status: criteria provided, single submitter. Criteria: GeneDx Variant Classification (06012015). Collection method: clinical testing. Allele origin: germline. Affected: yes.
Comment: This variant is considered likely benign or benign based on one or more of the following criteria: it is a conservative change, it occurs at a poorly conserved position in the protein, it is predicted to be benign by multiple in silico algorithms, and/or has population frequency not consistent with disease.

Breakthrough Genomics
Classification: Likely benign. Review status: criteria provided, single submitter. Criteria: ACMG Guidelines, 2015. Collection method: not provided. Allele origin: germline. Inheritance: Autosomal recessive inheritance. Affected: yes.

NM_006440.5(TXNRD2):c.1446-70C>T

Gene: TXNRD2 (thioredoxin reductase 2; minus strand). Cytogenetic location: 22q11.21.
Variant type: single nucleotide variant.
Coding change: c.1446-70C>T on transcript NM_006440.5 (MANE Select); 70 bases into the intron before coding-DNA position 1446, C replaced by T.
Molecular consequence: intron variant.
Genome position (GRCh38, 1-based): chr22:19,877,304, G>A on the plus strand (C>T on the coding strand, the complement: TXNRD2 is on the minus strand). VCF-style: chr22-19877304-G-A. GRCh37 (hg19) VCF-style: chr22-19864827-G-A.
Other names: c.1443-70C>T (NM_001352300.2); c.1158-70C>T (NM_001352302.2); c.1356-70C>T (NM_001352301.2).
Identifiers: ClinVar variation 679478 (VCV000679478.2), dbSNP rs116583868, ClinGen allele CA322075000.
Genomic context (GRCh38, chr22:19,877,304, plus strand): 5'-GGGGATGGGGGAGGCAGGCGGGGTCAGCACAGGGAGGGGGGTCCACAGCATCCCACCCCC[G>A]GGAAGAGGAGGGCCTCAGAGGCTGCTGGTCTCCTCACTGTCCCCTGACCCCCAGCCAGCA-3'